The following is an entry in ClinVar:

NM_000368.5(TSC1):c.3375G>C (p.Leu1125Phe)

Gene: TSC1 (TSC complex subunit 1; minus strand). Cytogenetic location: 9q34.13.
Variant type: single nucleotide variant.
Coding change: c.3375G>C on transcript NM_000368.5 (MANE Select); coding-DNA position 3375, G replaced by C.
Protein change: p.Leu1125Phe; replaces leucine 1125 with phenylalanine.
Molecular consequence: missense variant. On other transcripts: non-coding transcript variant (5).
Genome position (GRCh38, 1-based): chr9:132,896,355, C>G on the plus strand (G>C on the coding strand, the complement: TSC1 is on the minus strand). VCF-style: chr9-132896355-C-G. GRCh37 (hg19) VCF-style: chr9-135771742-C-G.
Other names: c.3372G>C, p.Leu1124Phe (NM_001162426.2, NM_001406597.1, NM_001406598.1 and 2 more transcripts); c.3222G>C, p.Leu1074Phe (NM_001162427.2, NM_001406610.1); c.3012G>C, p.Leu1004Phe (NM_001362177.2, NM_001406614.1, NM_001406615.1 and 4 more transcripts); c.3375G>C, p.Leu1125Phe (NM_001406592.1, NM_001406593.1, NM_001406594.1 and 2 more transcripts); c.3360G>C, p.Leu1120Phe (NM_001406601.1, NM_001406602.1); c.3357G>C, p.Leu1119Phe (NM_001406603.1, NM_001406604.1); c.3333G>C, p.Leu1111Phe (NM_001406605.1, NM_001406606.1, NM_001406607.1); c.3330G>C, p.Leu1110Phe (NM_001406608.1, NM_001406609.1); and 8 more; short protein forms L1003F, L1004F, L1059F, L1073F, L1074F, L1110F, L1111F, L1119F.
Identifiers: ClinVar variation 2662711 (VCV002662711.4), dbSNP rs2131591349, ClinGen allele CA375366503.

ClinVar aggregate classification (germline): Conflicting classifications of pathogenicity. Review status: criteria provided, conflicting classifications (1 of 4 stars). 3 submissions from 3 submitters: Uncertain significance (2); Likely benign (1). Last evaluated 2026-06-04.

Conditions:
Hereditary cancer-predisposing syndrome. Also called: Tumor predisposition; Hereditary neoplastic syndrome; Neoplastic Syndromes, Hereditary; Hereditary Cancer Syndrome. Identifiers: Orphanet 140162, MedGen C0027672, MeSH D009386, MONDO:0015356.
Tuberous sclerosis 1 (TSC1). Identifiers: Orphanet 805, MedGen C1854465, MONDO:0008612, OMIM 191100.

Submissions (3):

Ambry Genetics
Classification: Likely benign for Hereditary cancer-predisposing syndrome. Last evaluated: 2026-06-04. Review status: criteria provided, single submitter. Criteria: Ambry Variant Classification Scheme 2023. Collection method: clinical testing. Allele origin: germline.

Labcorp Genetics (formerly Invitae), Labcorp
Classification: Uncertain significance for Tuberous sclerosis 1. Last evaluated: 2024-08-21. Review status: criteria provided, single submitter. Criteria: Invitae Variant Classification Sherloc (09022015). Collection method: clinical testing. Allele origin: germline.
Comment: This sequence change replaces leucine, which is neutral and non-polar, with phenylalanine, which is neutral and non-polar, at codon 1125 of the TSC1 protein (p.Leu1125Phe). This variant is not present in population databases (gnomAD no frequency). This variant has not been reported in the literature in individuals affected with TSC1-related conditions. ClinVar contains an entry for this variant (Variation ID: 2662711). Invitae Evidence Modeling of protein sequence and biophysical properties (such as structural, functional, and spatial information, amino acid conservation, physicochemical variation, residue mobility, and thermodynamic stability) indicates that this missense variant is not expected to disrupt TSC1 protein function with a negative predictive value of 95%. In summary, the available evidence is currently insufficient to determine the role of this variant in disease. Therefore, it has been classified as a Variant of Uncertain Significance.

GeneDx
Classification: Uncertain significance. Last evaluated: 2023-04-18. Review status: criteria provided, single submitter. Criteria: GeneDx Variant Classification Process June 2021. Collection method: clinical testing. Allele origin: germline. Affected: yes.
Comment: Not observed at significant frequency in large population cohorts (gnomAD); In silico analysis supports that this missense variant does not alter protein structure/function; Has not been previously published as pathogenic or benign to our knowledge